The following is an entry in ClinVar:

ClinVar aggregate classification (germline): Uncertain significance (1 of 4 stars; one submission).

gnomAD v4.1: 1 of 1,604,920 alleles (0.000062%); highest among the groups gnomAD compares: Non-Finnish European, 0.000085%; no homozygotes.

Submission:

Labcorp Genetics (formerly Invitae), Labcorp
Classification: Uncertain significance. Last evaluated: 2022-08-09. Review status: criteria provided, single submitter. Criteria: Invitae Variant Classification Sherloc (09022015). Collection method: clinical testing. Allele origin: germline.
Comment: This sequence change replaces arginine, which is basic and polar, with lysine, which is basic and polar, at codon 61 of the ASAH1 protein (p.Arg61Lys). This variant is not present in population databases (gnomAD no frequency). This variant has not been reported in the literature in individuals affected with ASAH1-related conditions. Algorithms developed to predict the effect of missense changes on protein structure and function (SIFT, PolyPhen-2, Align-GVGD) all suggest that this variant is likely to be disruptive. Algorithms developed to predict the effect of sequence changes on RNA splicing suggest that this variant may disrupt the consensus splice site. In summary, the available evidence is currently insufficient to determine the role of this variant in disease. Therefore, it has been classified as a Variant of Uncertain Significance.

NM_177924.5(ASAH1):c.182G>A (p.Arg61Lys)

Gene: ASAH1 (N-acylsphingosine amidohydrolase 1; minus strand). Cytogenetic location: 8p22.
Variant type: single nucleotide variant.
Coding change: c.182G>A on transcript NM_177924.5 (MANE Select); coding-DNA position 182, G replaced by A.
Protein change: p.Arg61Lys; replaces arginine 61 with lysine.
Molecular consequence: missense variant. On other transcripts: 5 prime UTR variant (1).
Genome position (GRCh38, 1-based): chr8:18,071,334, C>T on the plus strand (G>A on the coding strand, the complement: ASAH1 is on the minus strand). VCF-style: chr8-18071334-C-T. GRCh37 (hg19) VCF-style: chr8-17928843-C-T.
Other names: c.251G>A, p.Arg84Lys (NM_001127505.3); c.-14G>A (NM_001363743.2); c.230G>A, p.Arg77Lys (NM_004315.6); short protein forms R61K, R84K, R77K.
Identifiers: ClinVar variation 1914365 (VCV001914365.2), dbSNP rs1800165104, ClinGen allele CA370433949.
Genomic context (GRCh38, chr8:18,071,334, plus strand): 5'-TAAAAGATTTAAGCATCATAGCATACCACTGGTGCCTTGTCAAGCATCAATTCATGCCAT[C>T]TTTTGTAGGGTGGTAAGTCAAGATTTATGGTGTACCATGGAACTGCACCTCTGTACCTGT-3'
Protein context (NP_808592.2, residues 51-71): TINLDLPPYK[Arg61Lys]WHELMLDKAP